The following is an entry in ClinVar:

ClinVar aggregate classification (germline): Pathogenic (1 of 4 stars; one submission).

Submission:

GeneDx
Classification: Pathogenic. Last evaluated: 2018-04-23. Review status: criteria provided, single submitter. Criteria: GeneDx Variant Classification (06012015). Collection method: clinical testing. Allele origin: germline. Affected: yes.
Comment: The c.421_422insC variant in the EBF3 gene has not been reported previously as a pathogenic variant nor as a benign variant, to our knowledge. The c.421_422insC variant causes a frameshift starting with codon Tyrosine 141, changes this amino acid to a Serine residue, and creates a premature Stop codon at position 26 of the new reading frame, denoted p.Tyr141SerfsX26. This variant is predicted to cause loss of normal protein function either through protein truncation or nonsense-mediated mRNA decay. Furthermore, the c.421_422insC variant is not observed in large population cohorts (Lek et al., 2016).

NM_001375380.1(EBF3):c.421_422insC (p.Tyr141fs)

Gene: EBF3 (EBF transcription factor 3; minus strand). Cytogenetic location: 10q26.3.
Variant type: Insertion.
Coding change: c.421_422insC on transcript NM_001375380.1 (MANE Select); coding-DNA positions 421 to 422, C inserted.
Protein change: p.Tyr141fs; shifts the reading frame from tyrosine 141.
Molecular consequence: frameshift variant.
Genome position: GRCh38 VCF-style: chr10-129958997-T-TG. GRCh37 (hg19) VCF-style: chr10-131757261-T-TG.
Other names: c.421_422insC, p.Tyr141fs (NM_001005463.3, NM_001375379.1, NM_001375389.1 and 3 more transcripts); short protein forms Y141fs.
Identifiers: ClinVar variation 524128 (VCV000524128.2), dbSNP rs1554935484, ClinGen allele CA658797550.